The following is an entry in ClinVar:

ClinVar aggregate classification (germline): Uncertain significance (1 of 4 stars; one submission).

Conditions:
Cardiovascular phenotype. Identifiers: MedGen CN230736.

Submission:

Ambry Genetics
Classification: Uncertain significance for Cardiovascular phenotype. Last evaluated: 2024-03-27. Review status: criteria provided, single submitter. Criteria: Ambry Variant Classification Scheme 2023. Collection method: clinical testing. Allele origin: germline.
Comment: The p.T2473S variant (also known as c.7417A>T), located in coding exon 26 of the APOB gene, results from an A to T substitution at nucleotide position 7417. The threonine at codon 2473 is replaced by serine, an amino acid with similar properties. This amino acid position is conserved. In addition, this alteration is predicted to be tolerated by in silico analysis. Based on the available evidence, the clinical significance of this alteration remains unclear.

NM_000384.3(APOB):c.7417A>T (p.Thr2473Ser)

Gene: APOB (apolipoprotein B; minus strand). Cytogenetic location: 2p24.1.
Variant type: single nucleotide variant.
Coding change: c.7417A>T on transcript NM_000384.3 (MANE Select); coding-DNA position 7417, A replaced by T.
Protein change: p.Thr2473Ser; replaces threonine 2473 with serine.
Molecular consequence: missense variant.
Genome position (GRCh38, 1-based): chr2:21,009,451, T>A on the plus strand (A>T on the coding strand, the complement: APOB is on the minus strand). VCF-style: chr2-21009451-T-A. GRCh37 (hg19) VCF-style: chr2-21232323-T-A.
Other names: short protein forms T2473S.
Identifiers: ClinVar variation 2542991 (VCV002542991.3), dbSNP rs2465368934, ClinGen allele CA345997202.